The following is an entry in ClinVar:

NM_020975.6(RET):c.1893C>G (p.Asp631Glu)

Gene: RET (ret proto-oncogene; plus strand). Cytogenetic location: 10q11.21.
Variant type: single nucleotide variant.
Coding change: c.1893C>G on transcript NM_020975.6 (MANE Select); coding-DNA position 1893, C replaced by G.
Protein change: p.Asp631Glu; replaces aspartic acid 631 with glutamic acid.
Molecular consequence: missense variant.
Genome position (GRCh38, 1-based): chr10:43,114,493, C>G. VCF-style: chr10-43114493-C-G. GRCh37 (hg19) VCF-style: chr10-43609941-C-G.
Other names: c.1893C>G, p.Asp631Glu (NM_000323.2, NM_001406743.1, NM_001406744.1 and 4 more transcripts); c.1131C>G, p.Asp377Glu (NM_001355216.2); c.1764C>G, p.Asp588Glu (NM_001406761.1, NM_001406762.1, NM_001406764.1); c.1605C>G, p.Asp535Glu (NM_001406766.1, NM_001406767.1, NM_001406770.1); c.1497C>G, p.Asp499Glu (NM_001406769.1, NM_001406772.1); c.1455C>G, p.Asp485Glu (NM_001406771.1, NM_001406773.1); c.1368C>G, p.Asp456Glu (NM_001406774.1); c.1167C>G, p.Asp389Glu (NM_001406775.1, NM_001406776.1, NM_001406777.1 and 1 more transcripts); and 7 more; short protein forms D289E, D377E, D535E, D148E, D292E, D456E, D631E, D236E.
Identifiers: ClinVar variation 2123053 (VCV002123053.5), dbSNP rs55846256, ClinGen allele CA376552901.
Genomic context (GRCh38, chr10:43,114,493, plus strand): 5'-TGCCGAGCCTCTGGCGGTGCCAAGCCTCACACCACCCCCACCCACAGATCCACTGTGCGA[C>G]GAGCTGTGCCGCACGGTGATCGCAGCCGCTGTCCTCTTCTCCTTCATCGTCTCGGTGCTG-3'
Protein context (NP_066124.1, residues 621-641): EPEDIQDPLC[Asp631Glu]ELCRTVIAAA

ClinVar aggregate classification (germline): Uncertain significance. Review status: criteria provided, multiple submitters, no conflicts (2 of 4 stars). 2 submissions from 2 submitters: Uncertain significance (2). Last evaluated 2024-11-05.

Conditions:
Hereditary cancer-predisposing syndrome. Also called: Hereditary Cancer Syndrome; Tumor predisposition; Neoplastic Syndromes, Hereditary; Hereditary neoplastic syndrome. Identifiers: Orphanet 140162, MedGen C0027672, MeSH D009386, MONDO:0015356.
Multiple endocrine neoplasia, type 2 (MEN2). Identifiers: Orphanet 653, MedGen C4048306, MONDO:0019003. Disease mechanism: gain of function.

Submissions (2):

Ambry Genetics
Classification: Uncertain significance for Hereditary cancer-predisposing syndrome. Last evaluated: 2024-11-05. Review status: criteria provided, single submitter. Criteria: Ambry Variant Classification Scheme 2023. Collection method: clinical testing. Allele origin: germline.
Comment: The p.D631E variant (also known as c.1893C>G), located in coding exon 11 of the RET gene, results from a C to G substitution at nucleotide position 1893. The aspartic acid at codon 631 is replaced by glutamic acid, an amino acid with highly similar properties. The p.D631E (c.1893C>A) variant was detected in two unrelated individuals with medullary thyroid cancer; however, both patients also had the well-described RET pathogenic variant p.C634Y (phase unknown) (Ahmed SA et al. J Mol Diagn. 2005 May;7:283-8). This amino acid position is well conserved in available vertebrate species. In addition, the in silico prediction for this alteration is inconclusive. Based on the available evidence, the clinical significance of this variant remains unclear.

Labcorp Genetics (formerly Invitae), Labcorp
Classification: Uncertain significance for Multiple endocrine neoplasia, type 2. Last evaluated: 2022-05-09. Review status: criteria provided, single submitter. Criteria: Invitae Variant Classification Sherloc (09022015). Collection method: clinical testing. Allele origin: germline.
Comment: This sequence change replaces aspartic acid, which is acidic and polar, with glutamic acid, which is acidic and polar, at codon 631 of the RET protein (p.Asp631Glu). This variant is not present in population databases (gnomAD no frequency). This missense change has been observed in individual(s) with medullary thyroid cancer (PMID: 15858153). Algorithms developed to predict the effect of missense changes on protein structure and function output the following: SIFT: "Deleterious"; PolyPhen-2: "Benign"; Align-GVGD: "Class C0". The glutamic acid amino acid residue is found in multiple mammalian species, which suggests that this missense change does not adversely affect protein function. This variant disrupts the p.Asp631 amino acid residue in RET. Other variant(s) that disrupt this residue have been determined to be pathogenic (PMID: 16839264). This suggests that this residue is clinically significant, and that variants that disrupt this residue are likely to be disease-causing. In summary, the available evidence is currently insufficient to determine the role of this variant in disease. Therefore, it has been classified as a Variant of Uncertain Significance.

Literature cited by the submitters: PubMed 15858153 (cited by Ambry Genetics and Labcorp Genetics (formerly Invitae), Labcorp); PubMed 16839264 (cited by Labcorp Genetics (formerly Invitae), Labcorp).